The following is an entry in ClinVar:

NM_000070.3(CAPN3):c.379+3A>G

Gene: CAPN3 (calpain 3; plus strand). Cytogenetic location: 15q15.1.
Variant type: single nucleotide variant.
Coding change: c.379+3A>G on transcript NM_000070.3 (MANE Select); 3 bases into the intron after coding-DNA position 379, A replaced by G.
Molecular consequence: intron variant.
Genome position (GRCh38, 1-based): chr15:42,384,555, A>G. VCF-style: chr15-42384555-A-G. GRCh37 (hg19) VCF-style: chr15-42676753-A-G.
Other names: c.379+3A>G (NM_024344.2, NM_173087.2, NM_000070.2).
Identifiers: ClinVar variation 1315302 (VCV001315302.13), dbSNP rs1164215001, ClinGen allele CA617603349.

ClinVar aggregate classification (germline): Pathogenic/Likely pathogenic. Review status: criteria provided, multiple submitters, no conflicts (2 of 4 stars). 8 submissions from 8 submitters: Pathogenic (3); Likely pathogenic (3). 2 of the submissions do not count toward it. Last evaluated 2025-10-20.

Conditions:
Autosomal recessive limb-girdle muscular dystrophy type 2A (LGMDR1). Also called: LEYDEN-MOEBIUS MUSCULAR DYSTROPHY; MUSCULAR DYSTROPHY, PELVOFEMORAL; Limb-girdle muscular dystrophy, type 2A; Calpainopathy; Muscular dystrophy, limb-girdle, type 2A, Amish. Identifiers: Orphanet 267, MedGen C1869123, MONDO:0009675, OMIM 253600. Disease mechanism: loss of function.
Muscular dystrophy, limb-girdle, autosomal dominant 4. Also called: MUSCULAR DYSTROPHY, LIMB-GIRDLE, TYPE 1I; Calpain-3-related limb-girdle muscular dystrophy D4. Identifiers: Orphanet 565909, MedGen C4748295, MONDO:0029133, OMIM 618129.

Allele frequency attached by ClinVar (database versions not stated): TOPMed below 0.00001; gnomAD exomes below 0.00001 and 0.00001.
gnomAD v4.1: 2 of 1,610,492 alleles (0.00012%); highest among the groups gnomAD compares: South Asian, 0.0011%; no homozygotes.

Submissions (8):

Natera, Inc.
Classification: Likely pathogenic for Limb-girdle muscular dystrophy type 2A. Last evaluated: 2025-10-20. Review status: criteria provided, single submitter. Criteria: Natera Variant Classification Schema (03/2026). Collection method: clinical testing. Allele origin: germline.
Comment: The c.379+3A>G variant in CAPN3 is an intronic variant located outside the canonical splice sites. This variant is rare in the general population with a frequency below the threshold expected for the associated phenotype(s). This variant has been observed in one or more individuals affected with the associated recessive disease, as either homozygous or compound heterozygous with a second variant (PMID: 34697879). Functional studies show that this variant may disrupt protein function (PMID: 34697879). Computational prediction algorithms indicate this variant is likely to affect gene or protein function. Given the available evidence, this variant is classified as Likely Pathogenic.

GeneDx
Classification: Pathogenic. Last evaluated: 2025-02-14. Review status: criteria provided, single submitter. Criteria: GeneDx Variant Classification Process June 2021. Collection method: clinical testing. Allele origin: germline. Affected: yes.
Comment: Non-canonical splice site variant demonstrated to result in loss of function (PMID: 34697879); Not observed at significant frequency in large population cohorts (gnomAD); This variant is associated with the following publications: (PMID: 34697879)

Labcorp Genetics (formerly Invitae), Labcorp
Classification: Pathogenic for Autosomal recessive limb-girdle muscular dystrophy type 2A. Last evaluated: 2024-10-16. Review status: criteria provided, single submitter. Criteria: Invitae Variant Classification Sherloc (09022015). Collection method: clinical testing. Allele origin: germline.
Comment: This sequence change falls in intron 2 of the CAPN3 gene. It does not directly change the encoded amino acid sequence of the CAPN3 protein. RNA analysis indicates that this variant induces altered splicing and may result in an absent or altered protein product. This variant is present in population databases (no rsID available, gnomAD 0.003%). This variant has been observed in individuals with autosomal recessive limb-girdle muscular dystrophy (PMID: 34697879). It has also been observed to segregate with disease in related individuals. ClinVar contains an entry for this variant (Variation ID: 1315302). Studies have shown that this variant alters CAPN3 gene expression (PMID: 34697879). Variants that disrupt the consensus splice site are a relatively common cause of aberrant splicing (PMID: 17576681, 9536098). Studies have shown that this variant results in activation of a cryptic splice site, and produces a non-functional protein and/or introduces a premature termination codon (PMID: 34697879). For these reasons, this variant has been classified as Pathogenic.

Kariminejad - Najmabadi Pathology & Genetics Center
Classification: Likely pathogenic for Autosomal recessive limb-girdle muscular dystrophy type 2A. Last evaluated: 2024-07-25. Review status: criteria provided, single submitter. Criteria: ACMG Guidelines, 2015. Collection method: clinical testing. Allele origin: germline. Inheritance: Autosomal recessive inheritance. Affected: yes.
Comment: (PM2,PP3-moderate,PS3-supporting,PM3,PP4)

3billion
Classification: Likely pathogenic for Autosomal recessive limb-girdle muscular dystrophy type 2A. Last evaluated: 2024-02-23. Review status: criteria provided, single submitter. Criteria: ACMG Guidelines, 2015. Collection method: clinical testing. Allele origin: germline. Affected: yes.
Comment: The variant is observed at an extremely low frequency in the gnomAD v2.1.1 dataset (total allele frequency: <0.001%). Predicted Consequence/Location: Intron variant: previously reported to result in an inframe deletion (PMID: 34697879). Intron variant: previously reported to result in an inframe deletion (PMID: 34697879). Therefore, this variant is classified as Likely pathogenic according to the recommendation of ACMG/AMP guideline.

Baylor Genetics
Classification: Pathogenic for Muscular dystrophy, limb-girdle, autosomal dominant 4. Last evaluated: 2024-02-14. Review status: criteria provided, single submitter. Criteria: ACMG Guidelines, 2015. Collection method: clinical testing. Allele origin: unknown.

Rare Diseases Genetics and Genomics, Islamia College Peshawar
Classification: Pathogenic for Autosomal recessive limb-girdle muscular dystrophy type 2A. Last evaluated: 2021-04-23. Review status: no assertion criteria provided. Criteria: ACMG Guidelines, 2015. Collection method: research. Allele origin: inherited. Inheritance: Autosomal recessive inheritance. Affected: yes. Observed: 1 homozygote. Not counted in ClinVar's aggregate classification.

Hong-Tao Li Lab, Institute of Brain Science and Brain-inspired Research, Shandong First Medical University & Shandong Academy of Medical Sciences China
Classification: Pathogenic for Muscular dystrophy, limb-girdle, autosomal dominant 4. Review status: no assertion criteria provided. Collection method: research. Allele origin: germline. Inheritance: Autosomal dominant inheritance. Affected: yes. Observed: 1 variant allele, 1 heterozygote. Not counted in ClinVar's aggregate classification.
Comment: Observed in affected individuals from a Pakistani neurodevelopmental-disorder research cohort of 263 individuals. Classification assigned using the ACMG/AMP framework. Population-frequency evidence: gnomAD AF 1.242e-06.

Literature cited by the submitters: PubMed 34697879 (cited by 3 submitters); PubMed 17576681 (cited by Labcorp Genetics (formerly Invitae), Labcorp); PubMed 9536098 (cited by Labcorp Genetics (formerly Invitae), Labcorp).